The following is an entry in ClinVar:

NM_001267550.2(TTN):c.64500G>C (p.Trp21500Cys)

Genes: TTN (titin; minus strand), TTN-AS1 (TTN antisense RNA 1; plus strand). Cytogenetic location: 2q31.2.
Variant type: single nucleotide variant.
Coding change: c.64500G>C on transcript NM_001267550.2 (MANE Select); coding-DNA position 64500, G replaced by C.
Protein change: p.Trp21500Cys; replaces tryptophan 21500 with cysteine.
Molecular consequence: missense variant.
Genome position (GRCh38, 1-based): chr2:178,585,244, C>G on the plus strand (G>C on the coding strand, the complement: TTN is on the minus strand). VCF-style: chr2-178585244-C-G. GRCh37 (hg19) VCF-style: chr2-179449971-C-G.
Other names: c.59577G>C, p.Trp19859Cys (NM_001256850.1); c.37305G>C, p.Trp12435Cys (NM_003319.4); c.56796G>C, p.Trp18932Cys (NM_133378.4); c.37680G>C, p.Trp12560Cys (NM_133432.3); c.37881G>C, p.Trp12627Cys (NM_133437.4); short protein forms W12435C, W12560C, W12627C, W18932C, W19859C, W21500C.
Identifiers: ClinVar variation 4527494 (VCV004527494.1).

ClinVar aggregate classification (germline): Uncertain significance (1 of 4 stars; one submission).

Submission:

GeneDx
Classification: Uncertain significance. Last evaluated: 2025-04-24. Review status: criteria provided, single submitter. Criteria: GeneDx Variant Classification Process June 2021. Collection method: clinical testing. Allele origin: germline. Affected: yes.
Comment: Not observed at significant frequency in large population cohorts (gnomAD); Missense variant in a gene in which most reported pathogenic variants are truncating/loss of function; Has not been previously published as pathogenic or benign to our knowledge